The following is an entry in ClinVar:

ClinVar aggregate classification (germline): Uncertain significance. Review status: criteria provided, single submitter (1 of 4 stars). 5 submissions from 5 submitters: Uncertain significance (1). 4 of the submissions do not count toward it. Last evaluated 2025-05-27.

Conditions:
Platelet-type bleeding disorder 8 (BDPLT8). Also called: BLEEDING DISORDER DUE TO P2RY12 DEFECT; Bleeding disorder due to p2rx1 defect, somatic. Identifiers: Orphanet 36355, MedGen C1853278, MONDO:0012354, OMIM 609821.
Abnormal bleeding. Also called: Bleeding diathesis. Identifiers: MedGen C1458140, HP:0001892.
Thrombocytopenia. Identifiers: MedGen C0040034, MeSH D013921, MONDO:0002049, HP:0001873.

Allele frequency attached by ClinVar (database versions not stated): gnomAD 0.00001; TOPMed 0.00002; ESP Exome Variant Server 0.00008.
gnomAD v4.1: 36 of 1,613,860 alleles (0.0022%); highest among the groups gnomAD compares: Non-Finnish European, 0.003%; no homozygotes.

Submissions (5):

Labcorp Genetics (formerly Invitae), Labcorp
Classification: Uncertain significance. Last evaluated: 2025-05-27. Review status: criteria provided, single submitter. Criteria: Invitae Variant Classification Sherloc (09022015). Collection method: clinical testing. Allele origin: germline.
Comment: This sequence change replaces proline, which is neutral and non-polar, with threonine, which is neutral and polar, at codon 258 of the P2RY12 protein (p.Pro258Thr). This variant is present in population databases (rs202099742, gnomAD 0.007%). This missense change has been observed in individual(s) with clinical features of P2RY12-related conditions (PMID: 17311506, 25567036, 30431218). ClinVar contains an entry for this variant (Variation ID: 988856). An algorithm developed to predict the effect of missense changes on protein structure and function (PolyPhen-2) suggests that this variant is likely to be disruptive. In summary, the available evidence is currently insufficient to determine the role of this variant in disease. Therefore, it has been classified as a Variant of Uncertain Significance.

Birmingham Platelet Group; University of Birmingham
Classification: Pathogenic for Thrombocytopenia; Abnormal bleeding. Last evaluated: 2020-05-01. Review status: no assertion criteria provided. Collection method: research. Allele origin: germline. Affected: yes. Not counted in ClinVar's aggregate classification.

Genome Diagnostics Laboratory, University Medical Center Utrecht
Classification: Pathogenic. Review status: no assertion criteria provided. Collection method: clinical testing. Allele origin: germline. Affected: yes. Study: VKGL Data-share Consensus. Not counted in ClinVar's aggregate classification.

ISTH-SSC Genomics in Thrombosis and Hemostasis, KU Leuven, Center for Molecular and Vascular Biology
Classification: Likely pathogenic for Platelet-type bleeding disorder 8. Review status: no assertion criteria provided. Collection method: research. Allele origin: unknown. Affected: yes. Not counted in ClinVar's aggregate classification.
Comment: Submitted to GoldVariant by Dr Marie-Christine Morel-Kopp from Northern Blood Research Centre, Sydney, Australia

Joint Genome Diagnostic Labs from Nijmegen and Maastricht, Radboudumc and MUMC+
Classification: Pathogenic. Review status: no assertion criteria provided. Collection method: clinical testing. Allele origin: germline. Affected: yes. Study: VKGL Data-share Consensus. Not counted in ClinVar's aggregate classification.

Literature cited by the submitters: PubMed 17311506 (cited by Labcorp Genetics (formerly Invitae), Labcorp); PubMed 25567036 (cited by Labcorp Genetics (formerly Invitae), Labcorp); PubMed 30431218 (cited by Labcorp Genetics (formerly Invitae), Labcorp).

NM_022788.5(P2RY12):c.772C>A (p.Pro258Thr)

Genes: MED12L (mediator complex subunit 12L; plus strand), P2RY12 (purinergic receptor P2Y12; minus strand). Cytogenetic location: 3q25.1.
Variant type: single nucleotide variant.
Coding change: c.772C>A on transcript NM_022788.5 (MANE Select); coding-DNA position 772, C replaced by A.
Protein change: p.Pro258Thr; replaces proline 258 with threonine.
Molecular consequence: missense variant. On other transcripts: intron variant (2).
Genome position (GRCh38, 1-based): chr3:151,338,074, G>T on the plus strand (C>A on the coding strand, the complement: P2RY12 is on the minus strand). VCF-style: chr3-151338074-G-T. GRCh37 (hg19) VCF-style: chr3-151055862-G-T.
Other names: c.2146-11985G>T (NM_053002.6); c.772C>A, p.Pro258Thr (NM_176876.3); c.2251-11985G>T (NM_001393769.1); short protein forms P258T.
Identifiers: ClinVar variation 988856 (VCV000988856.7), dbSNP rs202099742, ClinGen allele CA85725994.